The following is an entry in ClinVar:

ClinVar aggregate classification (germline): Likely benign (0 of 4 stars; one submission).

Conditions:
COQ6-related disorder. Also called: COQ6-related condition.

Allele frequency attached by ClinVar (database versions not stated): TOPMed 0.00001; ExAC 0.00001.
gnomAD v4.1: 4 of 1,614,164 alleles (0.00025%); highest among the groups gnomAD compares: Admixed American, 0.005%; no homozygotes.

Submission:

PreventionGenetics, part of Exact Sciences
Classification: Likely benign for COQ6-related condition. Last evaluated: 2022-12-18. Review status: no assertion criteria provided. Collection method: clinical testing. Allele origin: germline.
Comment: This variant is classified as likely benign based on ACMG/AMP sequence variant interpretation guidelines (Richards et al. 2015 PMID: 25741868, with internal and published modifications).

NM_182476.3(COQ6):c.951T>C (p.Ala317=)

Genes: COQ6 (coenzyme Q6, monooxygenase; plus strand), ENTPD5 (ectonucleoside triphosphate diphosphohydrolase 5; minus strand). Cytogenetic location: 14q24.3.
Variant type: single nucleotide variant.
Coding change: c.951T>C on transcript NM_182476.3 (MANE Select); coding-DNA position 951, T replaced by C.
Protein change: p.Ala317=; no amino-acid change (alanine 317 retained).
Molecular consequence: synonymous variant. On other transcripts: 3 prime UTR variant (1), intron variant (5).
Genome position (GRCh38, 1-based): chr14:73,961,232, T>C. VCF-style: chr14-73961232-T-C. GRCh37 (hg19) VCF-style: chr14-74427935-T-C.
Other names: c.951T>C, p.Ala317= (NM_001425255.1); c.843T>C, p.Ala281= (NM_001425256.1); c.786T>C, p.Ala262= (NM_001425257.1); c.768T>C, p.Ala256= (NM_001425258.1); c.726T>C, p.Ala242= (NM_001425259.1, NM_001425260.1, NM_001425261.1); c.696T>C, p.Ala232= (NM_001425262.1); c.624T>C, p.Ala208= (NM_001425263.1); c.411T>C, p.Ala137= (NM_001425264.1, NM_001425265.1); and 5 more.
Identifiers: ClinVar variation 3044108 (VCV003044108.2), dbSNP rs751291945, ClinGen allele CA7264404.